The following is an entry in ClinVar:

ClinVar aggregate classification (germline): Pathogenic. Review status: criteria provided, multiple submitters, no conflicts (2 of 4 stars). 2 submissions from 2 submitters: Pathogenic (2). Last evaluated 2022-03-22.

Conditions:
Epidermolysis bullosa simplex 1D, generalized, intermediate or severe, autosomal recessive. Identifiers: Orphanet 89838, MedGen C3715082, MONDO:0010976, OMIM 601001.

Allele frequency attached by ClinVar (database versions not stated): gnomAD 0.00001; gnomAD exomes 0.00001; ExAC 0.00002; 1000 Genomes Project 30x 0.00031; 1000 Genomes Project 0.00040.

Submissions (2):

3billion
Classification: Pathogenic for Epidermolysis bullosa simplex 1D, generalized, intermediate or severe, autosomal recessive. Last evaluated: 2022-03-22. Review status: criteria provided, single submitter. Criteria: ACMG Guidelines, 2015. Collection method: clinical testing. Allele origin: germline. Affected: yes. Observed: 1 homozygote.
Comment: Stop-gained (nonsense): predicted to result in a loss or disruption of normal protein function through nonsense-mediated decay (NMD) or protein truncation. Multiple pathogenic variants are reported downstream of the variant. The variant is observed at an extremely low frequency in the gnomAD v2.1.1 dataset (total allele frequency:0.0000080). Therefore, this variant is classified as pathogenic according to the recommendation of ACMG/AMP guideline.

Kasturba Medical College, Manipal, Kasturba Medical College, Manipal, Manipal Academy of Higher Education, Manipal, India
Classification: Pathogenic for Epidermolysis bullosa simplex 1D, generalized, intermediate or severe, autosomal recessive. Review status: criteria provided, single submitter. Criteria: ACMG Guidelines, 2015. Collection method: clinical testing. Allele origin: biparental. Inheritance: Autosomal recessive inheritance. Affected: yes. Observed: 1 homozygote.

NM_000526.5(KRT14):c.766G>T (p.Glu256Ter)

Gene: KRT14 (keratin 14; minus strand). Cytogenetic location: 17q21.2.
Variant type: single nucleotide variant.
Coding change: c.766G>T on transcript NM_000526.5 (MANE Select); coding-DNA position 766, G replaced by T.
Protein change: p.Glu256Ter; replaces glutamic acid 256 with a stop codon.
Molecular consequence: nonsense.
Genome position (GRCh38, 1-based): chr17:41,583,921, C>A on the plus strand (G>T on the coding strand, the complement: KRT14 is on the minus strand). VCF-style: chr17-41583921-C-A. GRCh37 (hg19) VCF-style: chr17-39740173-C-A.
Other names: short protein forms E256*.
Identifiers: ClinVar variation 1526072 (VCV001526072.3), dbSNP rs528295894, ClinGen allele CA8562609.